The following is an entry in ClinVar:

NM_001372044.2(SHANK3):c.4784del (p.Gly1595fs)

Gene: SHANK3 (SH3 and multiple ankyrin repeat domains 3; plus strand). Cytogenetic location: 22q13.33.
Variant type: Deletion.
Coding change: c.4784del on transcript NM_001372044.2 (MANE Select); coding-DNA position 4784, one base deleted (G; older notation c.4784delG).
Protein change: p.Gly1595fs; shifts the reading frame from glycine 1595.
Molecular consequence: frameshift variant.
Genome position (GRCh38, 1-based): chr22:50,722,392, G deleted; the last of 3 consecutive G bases (chr22:50,722,390-50,722,392); deleting any one gives the same sequence. VCF-style (leftmost placement, unchanged base first): chr22-50722389-TG-T. GRCh37 (hg19) VCF-style: chr22-51160817-TG-T.
Other names: c.4559delG, p.Gly1520Alafs (NM_033517.1); short protein forms G1595fs.
Identifiers: ClinVar variation 450238 (VCV000450238.2), dbSNP rs1555910304, ClinGen allele CA658658926.

ClinVar aggregate classification (germline): Pathogenic (1 of 4 stars; one submission).

Submission:

GeneDx
Classification: Pathogenic. Last evaluated: 2017-07-06. Review status: criteria provided, single submitter. Criteria: GeneDx Variant Classification (06012015). Collection method: clinical testing. Allele origin: germline. Affected: yes.
Comment: The c.4559delG variant causes a frameshift starting with codon Glycine 1520, changes this amino acid to a Alanine residue, and creates a premature Stop codon at position 24 of the new reading frame, denoted p.Gly1520AlafsX24. This variant is predicted to cause loss of normal protein function through protein truncation as the last 212 amino acids are lost and replaced with 22 incorrect amino acids. The c.4559delG variant is not observed in large population cohorts (Lek et al., 2016; 1000 Genomes Consortium et al., 2015; Exome Variant Server).